The following is an entry in ClinVar:

NM_018192.4(P3H2):c.428G>A (p.Ser143Asn)

Gene: P3H2 (prolyl 3-hydroxylase 2; minus strand). Cytogenetic location: 3q28.
Variant type: single nucleotide variant.
Coding change: c.428G>A on transcript NM_018192.4 (MANE Select); coding-DNA position 428, G replaced by A.
Protein change: p.Ser143Asn; replaces serine 143 with asparagine.
Molecular consequence: missense variant. On other transcripts: intron variant (1).
Genome position (GRCh38, 1-based): chr3:190,120,304, C>T on the plus strand (G>A on the coding strand, the complement: P3H2 is on the minus strand). VCF-style: chr3-190120304-C-T. GRCh37 (hg19) VCF-style: chr3-189838093-C-T.
Other names: c.-64+1899G>A (NM_001134418.2); short protein forms S143N.
Identifiers: ClinVar variation 2114810 (VCV002114810.4), dbSNP rs1212280385, ClinGen allele CA355859503.

ClinVar aggregate classification (germline): Uncertain significance (1 of 4 stars; one submission).

Allele frequency attached by ClinVar (database versions not stated): gnomAD 0.00001; gnomAD exomes 0.00001.
gnomAD v4.1: 15 of 1,609,250 alleles (0.00093%); highest among the groups gnomAD compares: South Asian, 0.017%; no homozygotes.

Submission:

Labcorp Genetics (formerly Invitae), Labcorp
Classification: Uncertain significance. Last evaluated: 2022-03-26. Review status: criteria provided, single submitter. Criteria: Invitae Variant Classification Sherloc (09022015). Collection method: clinical testing. Allele origin: germline.
Comment: In summary, the available evidence is currently insufficient to determine the role of this variant in disease. Therefore, it has been classified as a Variant of Uncertain Significance. Algorithms developed to predict the effect of missense changes on protein structure and function (SIFT, PolyPhen-2, Align-GVGD) all suggest that this variant is likely to be tolerated. This variant has not been reported in the literature in individuals affected with P3H2-related conditions. This variant is present in population databases (no rsID available, gnomAD 0.01%). This sequence change replaces serine, which is neutral and polar, with asparagine, which is neutral and polar, at codon 143 of the P3H2 protein (p.Ser143Asn).